The following is an entry in ClinVar:

NM_001040436.3(YARS2):c.*191T>C

Gene: YARS2 (tyrosyl-tRNA synthetase 2; minus strand). Cytogenetic location: 12p11.21.
Variant type: single nucleotide variant.
Coding change: c.*191T>C on transcript NM_001040436.3 (MANE Select); 191 bases downstream of the stop codon, T replaced by C.
Molecular consequence: 3 prime UTR variant.
Genome position (GRCh38, 1-based): chr12:32,747,013, A>G on the plus strand (T>C on the coding strand, the complement: YARS2 is on the minus strand). VCF-style: chr12-32747013-A-G. GRCh37 (hg19) VCF-style: chr12-32899947-A-G.
Identifiers: ClinVar variation 308445 (VCV000308445.9), dbSNP rs144235100, ClinGen allele CA10632614.

ClinVar aggregate classification (germline): Benign/Likely benign. Review status: criteria provided, multiple submitters, no conflicts (2 of 4 stars). 3 submissions from 3 submitters: Benign (2); Likely benign (1). Last evaluated 2021-12-05.

Conditions:
Myopathy, lactic acidosis, and sideroblastic anemia 2 (MLASA2). Identifiers: Orphanet 2598, MedGen C3150802, MONDO:0013307, OMIM 613561.

Allele frequency attached by ClinVar (database versions not stated): gnomAD exomes 0.00143; gnomAD 0.01226 and 0.01314; 1000 Genomes Project 0.01318; 1000 Genomes Project 30x 0.01343; TOPMed 0.01351.

Submissions (3):

Genome-Nilou Lab
Classification: Benign for Myopathy, lactic acidosis, and sideroblastic anemia 2. Last evaluated: 2021-12-05. Review status: criteria provided, single submitter. Criteria: ACMG Guidelines, 2015. Collection method: clinical testing. Allele origin: germline. Affected: no.

GeneDx
Classification: Likely benign. Last evaluated: 2018-06-14. Review status: criteria provided, single submitter. Criteria: GeneDx Variant Classification Process June 2021. Collection method: clinical testing. Allele origin: germline. Affected: yes.

Illumina Laboratory Services, Illumina
Classification: Benign for Myopathy, lactic acidosis, and sideroblastic anemia 2. Last evaluated: 2018-01-12. Review status: criteria provided, single submitter. Criteria: ICSL Variant Classification Criteria 13 December 2019. Collection method: clinical testing. Allele origin: germline.
Comment: This variant was observed in the ICSL laboratory as part of a predisposition screen in an ostensibly healthy population. It had not been previously curated by ICSL or reported in the Human Gene Mutation Database (HGMD: prior to June 1st, 2018), and was therefore a candidate for classification through an automated scoring system. Utilizing variant allele frequency, disease prevalence and penetrance estimates, and inheritance mode, an automated score was calculated to assess if this variant is too frequent to cause the disease. Based on the score and internal cut-off values, a variant classified as benign is not then subjected to further curation. The score for this variant resulted in a classification of benign for this disease.